The following is an entry in ClinVar:

ClinVar aggregate classification (germline): Conflicting classifications of pathogenicity. Review status: criteria provided, conflicting classifications (1 of 4 stars). 2 submissions from 2 submitters: Uncertain significance (1); Likely benign (1). Last evaluated 2026-06-16.

Conditions:
Hereditary cancer-predisposing syndrome. Also called: Neoplastic Syndromes, Hereditary; Hereditary Cancer Syndrome; Tumor predisposition; Hereditary neoplastic syndrome. Identifiers: Orphanet 140162, MedGen C0027672, MeSH D009386, MONDO:0015356.

Submissions (2):

Ambry Genetics
Classification: Likely benign for Hereditary cancer-predisposing syndrome. Last evaluated: 2026-06-16. Review status: criteria provided, single submitter. Criteria: Ambry Variant Classification Scheme 2023. Collection method: clinical testing. Allele origin: germline.

Color Diagnostics, LLC DBA Color Health
Classification: Uncertain significance for Hereditary cancer-predisposing syndrome. Last evaluated: 2023-12-05. Review status: criteria provided, single submitter. Criteria: ACMG Guidelines, 2015. Collection method: clinical testing. Allele origin: germline.
Comment: This missense variant replaces threonine with alanine at codon 285 of the CDH1 protein. To our knowledge, functional studies have not been reported for this variant. This variant has not been reported in individuals affected with CDH1-related disorders in the literature. This variant has not been identified in the general population by the Genome Aggregation Database (gnomAD). The available evidence is insufficient to determine the role of this variant in disease conclusively. Therefore, this variant is classified as a Variant of Uncertain Significance.

NM_004360.5(CDH1):c.853A>G (p.Thr285Ala)

Gene: CDH1 (cadherin 1; plus strand). Cytogenetic location: 16q22.1.
Variant type: single nucleotide variant.
Coding change: c.853A>G on transcript NM_004360.5 (MANE Select); coding-DNA position 853, A replaced by G.
Protein change: p.Thr285Ala; replaces threonine 285 with alanine.
Molecular consequence: missense variant. On other transcripts: 5 prime UTR variant (2).
Genome position (GRCh38, 1-based): chr16:68,811,704, A>G. VCF-style: chr16-68811704-A-G. GRCh37 (hg19) VCF-style: chr16-68845607-A-G.
Other names: c.853A>G, p.Thr285Ala (NM_001317184.2); c.-763A>G (NM_001317185.2); c.-967A>G (NM_001317186.2); short protein forms T285A.
Identifiers: ClinVar variation 928009 (VCV000928009.7), dbSNP rs1597893961, ClinGen allele CA396459578.